The following is an entry in ClinVar:

ClinVar aggregate classification (germline): Likely benign. Review status: criteria provided, multiple submitters, no conflicts (2 of 4 stars). 4 submissions from 4 submitters: Likely benign (3). 1 of the submissions does not count toward it. Last evaluated 2025-12-05.

Conditions:
CDKL5-related disorder.
Angelman syndrome-like. Identifiers: MedGen CN128785.
Developmental and epileptic encephalopathy, 2 (DEE2). Also called: INFANTILE SPASM SYNDROME, X-LINKED 2; CDKL5 deficiency disorder. Identifiers: Orphanet 1934, Orphanet 3451, Orphanet 505652, MedGen C4750718, MONDO:0010396, OMIM 300672.
History of neurodevelopmental disorder. Identifiers: MedGen C2711754.

Allele frequency attached by ClinVar (database versions not stated): TOPMed 0.00004.
gnomAD v4.1: 5 of 1,199,973 alleles (0.00042%); highest among the groups gnomAD compares: Admixed American, 0.0044%; no homozygotes.

Submissions (4):

Labcorp Genetics (formerly Invitae), Labcorp
Classification: Likely benign for Developmental and epileptic encephalopathy, 2; Angelman syndrome-like. Last evaluated: 2025-12-05. Review status: criteria provided, single submitter. Criteria: Invitae Variant Classification Sherloc (09022015). Collection method: clinical testing. Allele origin: germline.

GeneDx
Classification: Likely benign. Last evaluated: 2019-01-22. Review status: criteria provided, single submitter. Criteria: GeneDx Variant Classification Process June 2021. Collection method: clinical testing. Allele origin: germline. Affected: yes.

Ambry Genetics
Classification: Likely benign for History of neurodevelopmental disorder. Last evaluated: 2016-08-17. Review status: criteria provided, single submitter. Criteria: Ambry Autosomal Dominant and X-Linked criteria (10/2015). Collection method: clinical testing. Allele origin: germline. Observed: 1 variant allele.
Comment: In silico models in agreement (benign);Synonymous alterations with insufficient evidence to classify as benign

PreventionGenetics, part of Exact Sciences
Classification: Likely benign for CDKL5-related condition. Last evaluated: 2022-11-22. Review status: no assertion criteria provided. Collection method: clinical testing. Allele origin: germline. Not counted in ClinVar's aggregate classification.
Comment: This variant is classified as likely benign based on ACMG/AMP sequence variant interpretation guidelines (Richards et al. 2015 PMID: 25741868, with internal and published modifications).

NM_001323289.2(CDKL5):c.480G>C (p.Leu160=)

Gene: CDKL5 (cyclin dependent kinase like 5; plus strand). Cytogenetic location: Xp22.13.
Variant type: single nucleotide variant.
Coding change: c.480G>C on transcript NM_001323289.2 (MANE Select); coding-DNA position 480, G replaced by C.
Protein change: p.Leu160=; no amino-acid change (leucine 160 retained).
Molecular consequence: synonymous variant.
Genome position (GRCh38, 1-based): chrX:18,584,279, G>C. VCF-style: chrX-18584279-G-C. GRCh37 (hg19) VCF-style: chrX-18602399-G-C.
Other names: c.480G>C, p.Leu160= (NM_001037343.2, NM_003159.3).
Identifiers: ClinVar variation 588018 (VCV000588018.19), dbSNP rs750878642, ClinGen allele CA515470175.